The following is an entry in ClinVar:

ClinVar aggregate classification (germline): Uncertain significance. Review status: criteria provided, multiple submitters, no conflicts (2 of 4 stars). 2 submissions from 2 submitters: Uncertain significance (2). Last evaluated 2025-06-30.

Conditions:
Atrial fibrillation, familial, 14 (ATFB14). Identifiers: MedGen C3809312, MONDO:0014156, OMIM 615378.
Cardiovascular phenotype. Identifiers: MedGen CN230736.

Allele frequency attached by ClinVar (database versions not stated): gnomAD exomes below 0.00001.

Submissions (2):

Ambry Genetics
Classification: Uncertain significance for Cardiovascular phenotype. Last evaluated: 2025-06-30. Review status: criteria provided, single submitter. Criteria: Ambry Variant Classification Scheme 2023. Collection method: clinical testing. Allele origin: germline.
Comment: The p.P49S variant (also known as c.145C>T), located in coding exon 2 of the SCN2B gene, results from a C to T substitution at nucleotide position 145. The proline at codon 49 is replaced by serine, an amino acid with similar properties. This amino acid position is conserved. In addition, this alteration is predicted to be tolerated by in silico analysis. Based on the available evidence, the clinical significance of this variant remains unclear.

Center for Genomics, Ann and Robert H. Lurie Children's Hospital of Chicago
Classification: Uncertain significance for Atrial fibrillation, familial, 14. Last evaluated: 2021-03-30. Review status: criteria provided, single submitter. Criteria: ACMG Guidelines, 2015. Collection method: clinical testing. Allele origin: germline.
Comment: SCN2B NM_004588.4 exon 2 p.Pro49Ser (c.145C>T): This variant has not been reported in the literature and is not present in large control databases. This variant amino acid Serine (Ser) is present in several species including multiple mammals, and it is not well conserved among evolutionarily distant species; this suggests that this variant may not impact the protein. Additional computational prediction tools do not suggest an impact. In summary, data on this variant is insufficient for disease classification. Therefore, the clinical significance of this variant is uncertain.

NM_004588.5(SCN2B):c.145C>T (p.Pro49Ser)

Gene: SCN2B (sodium voltage-gated channel beta subunit 2; minus strand). Cytogenetic location: 11q23.3.
Variant type: single nucleotide variant.
Coding change: c.145C>T on transcript NM_004588.5 (MANE Select); coding-DNA position 145, C replaced by T.
Protein change: p.Pro49Ser; replaces proline 49 with serine.
Molecular consequence: missense variant.
Genome position (GRCh38, 1-based): chr11:118,168,677, G>A on the plus strand (C>T on the coding strand, the complement: SCN2B is on the minus strand). VCF-style: chr11-118168677-G-A. GRCh37 (hg19) VCF-style: chr11-118039392-G-A.
Other names: c.145C>T (NM_004588.4); short protein forms P49S.
Identifiers: ClinVar variation 2500083 (VCV002500083.2), dbSNP rs2497601597, ClinGen allele CA382769068.
Genomic context (GRCh38, chr11:118,168,677, plus strand): 5'-AAGTCCAGTTCAGGGAGAACTGTTTGTGGTTCACTGTGTAGCAGGAGTTGAAGGTGCAGG[G>A]CAGGCGGGCGTCAGAGCCATTGAGGACGTTGAGGGTGGCAGGTACTGTGACCTCCATGCT-3'
Protein context (NP_004579.1, residues 39-59): NVLNGSDARL[Pro49Ser]CTFNSCYTVN